The following is an entry in ClinVar:

ClinVar aggregate classification (germline): Uncertain significance (1 of 4 stars; one submission).

Allele frequency attached by ClinVar (database versions not stated): gnomAD exomes below 0.00001.
gnomAD v4.1: 6 of 1,565,108 alleles (0.00038%); highest among the groups gnomAD compares: Admixed American, 0.0019%; no homozygotes.

Submission:

Labcorp Genetics (formerly Invitae), Labcorp
Classification: Uncertain significance. Last evaluated: 2023-11-24. Review status: criteria provided, single submitter. Criteria: Invitae Variant Classification Sherloc (09022015). Collection method: clinical testing. Allele origin: germline.
Comment: This sequence change replaces valine, which is neutral and non-polar, with methionine, which is neutral and non-polar, at codon 1612 of the ITPR1 protein (p.Val1612Met). This variant is not present in population databases (gnomAD no frequency). This variant has not been reported in the literature in individuals affected with ITPR1-related conditions. Advanced modeling of protein sequence and biophysical properties (such as structural, functional, and spatial information, amino acid conservation, physicochemical variation, residue mobility, and thermodynamic stability) has been performed at Invitae for this missense variant, however the output from this modeling did not meet the statistical confidence thresholds required to predict the impact of this variant on ITPR1 protein function. In summary, the available evidence is currently insufficient to determine the role of this variant in disease. Therefore, it has been classified as a Variant of Uncertain Significance.

NM_001378452.1(ITPR1):c.4906G>A (p.Val1636Met)

Genes: BRRIAR (BHLHE40 and RIG-I regulating ITPR1 antisense RNA; minus strand), ITPR1 (inositol 1,4,5-trisphosphate receptor type 1; plus strand). Cytogenetic location: 3p26.1.
Variant type: single nucleotide variant.
Coding change: c.4906G>A on transcript NM_001378452.1 (MANE Select); coding-DNA position 4906, G replaced by A.
Protein change: p.Val1636Met; replaces valine 1636 with methionine.
Molecular consequence: missense variant.
Genome position (GRCh38, 1-based): chr3:4,710,388, G>A. VCF-style: chr3-4710388-G-A. GRCh37 (hg19) VCF-style: chr3-4752072-G-A.
Other names: c.4879G>A, p.Val1627Met (NM_001099952.4); c.4861G>A, p.Val1621Met (NM_001168272.2); c.4834G>A, p.Val1612Met (NM_002222.7); short protein forms V1636M, V1612M, V1621M, V1627M.
Identifiers: ClinVar variation 2898819 (VCV002898819.3), dbSNP rs2125280329, ClinGen allele CA351635941.
Genomic context (GRCh38, chr3:4,710,388, plus strand): 5'-ATCGTCTCCGCGCTGGAGGACCGTCTCAGGCCCCTGGTGCAGGCAGAGTTATCTGTGCTC[G>A]TGGATGTTCTCCACAGACCCGAGCTGCTTTTCCCAGAGAACACAGACGCCAGAAGGAAAT-3'
Protein context (NP_001365381.1, residues 1626-1646): PLVQAELSVL[Val1636Met]DVLHRPELLF